The following is an entry in ClinVar:

ClinVar aggregate classification (germline): Uncertain significance (1 of 4 stars; one submission).

Conditions:
Inborn genetic diseases. Identifiers: MedGen C0950123, MeSH D030342.

Submission:

Ambry Genetics
Classification: Uncertain significance for Inborn genetic diseases. Last evaluated: 2025-08-29. Review status: criteria provided, single submitter. Criteria: Ambry Variant Classification Scheme 2023. Collection method: clinical testing. Allele origin: germline.
Comment: The p.M1526I variant (also known as c.4578G>A), located in coding exon 31 of the ANKRD26 gene, results from a G to A substitution at nucleotide position 4578. The methionine at codon 1526 is replaced by isoleucine, an amino acid with highly similar properties. This amino acid position is conserved. In addition, this alteration is predicted to be tolerated by in silico analysis. Based on the available evidence, the clinical significance of this variant remains unclear.

NM_014915.3(ANKRD26):c.4578G>A (p.Met1526Ile)

Gene: ANKRD26 (ankyrin repeat domain containing 26; minus strand). Cytogenetic location: 10p12.1.
Variant type: single nucleotide variant.
Coding change: c.4578G>A on transcript NM_014915.3 (MANE Select); coding-DNA position 4578, G replaced by A.
Protein change: p.Met1526Ile; replaces methionine 1526 with isoleucine.
Molecular consequence: missense variant.
Genome position (GRCh38, 1-based): chr10:27,014,640, C>T on the plus strand (G>A on the coding strand, the complement: ANKRD26 is on the minus strand). VCF-style: chr10-27014640-C-T. GRCh37 (hg19) VCF-style: chr10-27303569-C-T.
Other names: c.4575G>A, p.Met1525Ile (NM_001256053.2); short protein forms M1526I, M1525I.
Identifiers: ClinVar variation 4104536 (VCV004104536.1).